The following is an entry in ClinVar:

NM_000019.4(ACAT1):c.941-9T>A

Gene: ACAT1 (acetyl-CoA acetyltransferase 1; plus strand). Cytogenetic location: 11q22.3.
Variant type: single nucleotide variant.
Coding change: c.941-9T>A on transcript NM_000019.4 (MANE Select); 9 bases into the intron before coding-DNA position 941, T replaced by A.
Molecular consequence: intron variant.
Genome position (GRCh38, 1-based): chr11:108,143,974, T>A. VCF-style: chr11-108143974-T-A. GRCh37 (hg19) VCF-style: chr11-108014701-T-A.
Identifiers: ClinVar variation 666513 (VCV000666513.2), dbSNP rs980651269, ClinGen allele CA601679069.

ClinVar aggregate classification (germline): Pathogenic/Likely pathogenic. Review status: criteria provided, multiple submitters, no conflicts (2 of 4 stars). 2 submissions from 2 submitters: Pathogenic (1); Likely pathogenic (1). Last evaluated 2024-11-14.

Conditions:
Deficiency of acetyl-CoA acetyltransferase. Also called: 3-KETOTHIOLASE DEFICIENCY; 3-OXOTHIOLASE DEFICIENCY; Beta-ketothiolase deficiency; MITOCHONDRIAL ACETOACETYL-CoA THIOLASE DEFICIENCY. Identifiers: Orphanet 134, MedGen C1536500, MONDO:0008760, OMIM 203750. Disease mechanism: loss of function.

gnomAD v4.1: 1 of 712,794 alleles (0.00014%); highest among the groups gnomAD compares: Non-Finnish European, 0.00024%; no homozygotes.

Submissions (2):

GeneDx
Classification: Likely pathogenic. Last evaluated: 2024-11-14. Review status: criteria provided, single submitter. Criteria: GeneDx Variant Classification Process June 2021. Collection method: clinical testing. Allele origin: germline. Affected: yes.
Comment: RNA studies demonstrate a damaging effect of a leaky splice site, resulting in out-of-frame skipping of exon 10 (PMID: 28361105); Not observed at significant frequency in large population cohorts (gnomAD); In silico analysis indicates that this variant does not alter splicing; This variant is associated with the following publications: (PMID: 31268215, 28361105)

Department of Pediatrics, Gifu University
Classification: Pathogenic for Deficiency of acetyl-CoA acetyltransferase. Last evaluated: 2019-05-05. Review status: criteria provided, single submitter. Criteria: ACMG Guidelines, 2015. Collection method: research. Allele origin: germline. Affected: yes. Observed: 2 variant alleles.

Literature cited by the submitters: PubMed 31268215 (cited by Department of Pediatrics, Gifu University); PubMed 28361105 (cited by Department of Pediatrics, Gifu University).